The following is an entry in ClinVar:

ClinVar aggregate classification (germline): Uncertain significance. Review status: criteria provided, multiple submitters, no conflicts (2 of 4 stars). 3 submissions from 3 submitters: Uncertain significance (2). 1 of the submissions does not count toward it. Last evaluated 2025-09-01.

Conditions:
Inborn genetic diseases. Identifiers: MedGen C0950123, MeSH D030342.
Meckel-Gruber syndrome. Also called: Dysencephalia splachnocystica; GRUBER SYNDROME; DYSENCEPHALIA SPLANCHNOCYSTICA. Identifiers: Orphanet 564, MedGen C0265215, MONDO:0018921.
Joubert syndrome. Also called: JOUBERT-BOLTSHAUSER SYNDROME; Familial aplasia of the vermis; CEREBELLOPARENCHYMAL DISORDER IV. Identifiers: Orphanet 475, MedGen C5979921, MONDO:0018772.

Allele frequency attached by ClinVar (database versions not stated): gnomAD exomes below 0.00001; ExAC 0.00001; gnomAD 0.00001; TOPMed 0.00002; ESP Exome Variant Server 0.00008.
gnomAD v4.1: 5 of 1,613,996 alleles (0.00031%); highest among the groups gnomAD compares: Non-Finnish European, 0.00042%; no homozygotes.

Submissions (3):

Ambry Genetics
Classification: Uncertain significance for Inborn genetic diseases. Last evaluated: 2025-09-01. Review status: criteria provided, single submitter. Criteria: Ambry Variant Classification Scheme 2023. Collection method: clinical testing. Allele origin: germline.

Labcorp Genetics (formerly Invitae), Labcorp
Classification: Uncertain significance for Joubert syndrome; Meckel-Gruber syndrome. Last evaluated: 2022-03-14. Review status: criteria provided, single submitter. Criteria: Invitae Variant Classification Sherloc (09022015). Collection method: clinical testing. Allele origin: germline.
Comment: This sequence change replaces glutamic acid, which is acidic and polar, with alanine, which is neutral and non-polar, at codon 930 of the RPGRIP1L protein (p.Glu930Ala). This variant is present in population databases (rs374694596, gnomAD 0.004%). This variant has not been reported in the literature in individuals affected with RPGRIP1L-related conditions. ClinVar contains an entry for this variant (Variation ID: 406252). Algorithms developed to predict the effect of missense changes on protein structure and function (SIFT, PolyPhen-2, Align-GVGD) all suggest that this variant is likely to be tolerated. In summary, the available evidence is currently insufficient to determine the role of this variant in disease. Therefore, it has been classified as a Variant of Uncertain Significance.

Natera, Inc.
Classification: Uncertain significance for Joubert syndrome. Last evaluated: 2020-09-16. Review status: no assertion criteria provided. Collection method: clinical testing. Allele origin: germline. Not counted in ClinVar's aggregate classification.

NM_015272.5(RPGRIP1L):c.2789A>C (p.Glu930Ala)

Gene: RPGRIP1L (RPGRIP1 like; minus strand). Cytogenetic location: 16q12.2.
Variant type: single nucleotide variant.
Coding change: c.2789A>C on transcript NM_015272.5 (MANE Select); coding-DNA position 2789, A replaced by C.
Protein change: p.Glu930Ala; replaces glutamic acid 930 with alanine.
Molecular consequence: missense variant.
Genome position (GRCh38, 1-based): chr16:53,641,370, T>G on the plus strand (A>C on the coding strand, the complement: RPGRIP1L is on the minus strand). VCF-style: chr16-53641370-T-G. GRCh37 (hg19) VCF-style: chr16-53675282-T-G.
Other names: c.2789A>C, p.Glu930Ala (NM_001127897.4, NM_001308334.3, NM_001330538.2); short protein forms E930A.
Identifiers: ClinVar variation 406252 (VCV000406252.11), dbSNP rs374694596, ClinGen allele CA8057465.
Genomic context (GRCh38, chr16:53,641,370, plus strand): 5'-GCTGGAGGAAGTCTTTGAACAACTTCTGGCTCTTCGCTGCGAATGAAATTTCCTAAGTCT[T>G]CAGTTGTTATTGATCCACTTGGTGGAAGGTAAGCAAATTTCCATTTCAATATAACATGGA-3'
Protein context (NP_056087.2, residues 920-940): YLPPSGSITT[Glu930Ala]DLGNFIRSEE